The following is an entry in ClinVar:

NM_001102564.3(IFT43):c.296-5646dup

Gene: IFT43 (intraflagellar transport 43; plus strand). Cytogenetic location: 14q24.3.
Variant type: Duplication.
Coding change: c.296-5646dup on transcript NM_001102564.3 (MANE Select); 5646 bases into the intron before coding-DNA position 296, one base duplicated (A; older notation c.296-5646dupA).
Molecular consequence: intron variant. On other transcripts: frameshift variant (1).
Genome position (GRCh38, 1-based): chr14:76,076,649, A duplicated; the last of 4 consecutive A bases (chr14:76,076,646-76,076,649); duplicating any one gives the same sequence. VCF-style (leftmost placement, unchanged base first): chr14-76076645-C-CA. GRCh37 (hg19) VCF-style: chr14-76542988-C-CA.
Other names: c.268dup, p.Thr90fs (NM_052873.3); short protein forms T90fs.
Identifiers: ClinVar variation 1404794 (VCV001404794.6), dbSNP rs2140090204, ClinGen allele CA2573150156.

ClinVar aggregate classification (germline): Pathogenic (1 of 4 stars; one submission).

Submission:

Labcorp Genetics (formerly Invitae), Labcorp
Classification: Pathogenic. Last evaluated: 2021-10-12. Review status: criteria provided, single submitter. Criteria: Invitae Variant Classification Sherloc (09022015). Collection method: clinical testing. Allele origin: germline.
Comment: This sequence change creates a premature translational stop signal (p.Thr90Asnfs*50) in the IFT43 gene. It is expected to result in an absent or disrupted protein product. Loss-of-function variants in IFT43 are known to be pathogenic (PMID: 21378380, 28400947). This variant is not present in population databases (ExAC no frequency). This variant has not been reported in the literature in individuals affected with IFT43-related conditions. For these reasons, this variant has been classified as Pathogenic.

Literature cited by the submitters: PubMed 21378380; PubMed 28400947.